The following is an entry in ClinVar:

ClinVar aggregate classification (germline): Uncertain significance (1 of 4 stars; one submission).

gnomAD v4.1: 5 of 1,613,988 alleles (0.00031%); highest among the groups gnomAD compares: Non-Finnish European, 0.00042%; no homozygotes.

Submission:

Labcorp Genetics (formerly Invitae), Labcorp
Classification: Uncertain significance. Last evaluated: 2025-07-01. Review status: criteria provided, single submitter. Criteria: Invitae Variant Classification Sherloc (09022015). Collection method: clinical testing. Allele origin: germline.
Comment: This sequence change replaces lysine, which is basic and polar, with arginine, which is basic and polar, at codon 1946 of the CELSR2 protein (p.Lys1946Arg). This variant is present in population databases (rs199620470, gnomAD 0.0009%). This variant has not been reported in the literature in individuals affected with CELSR2-related conditions. Invitae Evidence Modeling of protein sequence and biophysical properties (such as structural, functional, and spatial information, amino acid conservation, physicochemical variation, residue mobility, and thermodynamic stability) indicates that this missense variant is not expected to disrupt CELSR2 protein function with a negative predictive value of 80%. In summary, the available evidence is currently insufficient to determine the role of this variant in disease. Therefore, it has been classified as a Variant of Uncertain Significance.

NM_001408.3(CELSR2):c.5837A>G (p.Lys1946Arg)

Gene: CELSR2 (cadherin EGF LAG seven-pass G-type receptor 2; plus strand). Cytogenetic location: 1p13.3.
Variant type: single nucleotide variant.
Coding change: c.5837A>G on transcript NM_001408.3 (MANE Select); coding-DNA position 5837, A replaced by G.
Protein change: p.Lys1946Arg; replaces lysine 1946 with arginine.
Molecular consequence: missense variant.
Genome position (GRCh38, 1-based): chr1:109,265,844, A>G. VCF-style: chr1-109265844-A-G. GRCh37 (hg19) VCF-style: chr1-109808466-A-G.
Other names: short protein forms K1946R.
Identifiers: ClinVar variation 4703110 (VCV004703110.1).